The following is an entry in ClinVar:

ClinVar aggregate classification (germline): Uncertain significance (1 of 4 stars; one submission).

Allele frequency attached by ClinVar (database versions not stated): TOPMed below 0.00001; gnomAD exomes 0.00001.
gnomAD v4.1: 6 of 1,359,416 alleles (0.00044%); highest among the groups gnomAD compares: Non-Finnish European, 0.00059%; no homozygotes.

Submission:

Labcorp Genetics (formerly Invitae), Labcorp
Classification: Uncertain significance. Last evaluated: 2022-05-20. Review status: criteria provided, single submitter. Criteria: Invitae Variant Classification Sherloc (09022015). Collection method: clinical testing. Allele origin: germline.
Comment: This sequence change replaces proline, which is neutral and non-polar, with alanine, which is neutral and non-polar, at codon 289 of the COL11A2 protein (p.Pro289Ala). This variant is not present in population databases (gnomAD no frequency). This variant has not been reported in the literature in individuals affected with COL11A2-related conditions. Advanced modeling of protein sequence and biophysical properties (such as structural, functional, and spatial information, amino acid conservation, physicochemical variation, residue mobility, and thermodynamic stability) performed at Invitae indicates that this missense variant is not expected to disrupt COL11A2 protein function. In summary, the available evidence is currently insufficient to determine the role of this variant in disease. Therefore, it has been classified as a Variant of Uncertain Significance.

NM_080680.3(COL11A2):c.865C>G (p.Pro289Ala)

Gene: COL11A2 (collagen type XI alpha 2 chain; minus strand). Cytogenetic location: 6p21.32.
Variant type: single nucleotide variant.
Coding change: c.865C>G on transcript NM_080680.3 (MANE Select); coding-DNA position 865, C replaced by G.
Protein change: p.Pro289Ala; replaces proline 289 with alanine.
Molecular consequence: missense variant. On other transcripts: intron variant (2).
Genome position (GRCh38, 1-based): chr6:33,185,712, G>C on the plus strand (C>G on the coding strand, the complement: COL11A2 is on the minus strand). VCF-style: chr6-33185712-G-C. GRCh37 (hg19) VCF-style: chr6-33153489-G-C.
Other names: c.798+915C>G (NM_080679.3); c.799-658C>G (NM_080681.3); short protein forms P289A.
Identifiers: ClinVar variation 1466273 (VCV001466273.3), dbSNP rs1772325749, ClinGen allele CA363609567.
Genomic context (GRCh38, chr6:33,185,712, plus strand): 5'-TGGGGGTGCTGGGAGAAAGGGAAGAAATGAAGGGGTCCCTTGAGTTTACCTGATAATCAG[G>C]GGTTGTCCCCGTAGTCATCACATCATAATAGGGGGGCTCGTAGTCATAGTAGAGAGACTC-3'
Protein context (NP_542411.2, residues 279-299): YYDVMTTGTT[Pro289Ala]DYQDPTPGEE